The following is an entry in ClinVar:

ClinVar aggregate classification (germline): Pathogenic (1 of 4 stars; one submission).

Submission:

GeneDx
Classification: Pathogenic. Last evaluated: 2023-04-03. Review status: criteria provided, single submitter. Criteria: GeneDx Variant Classification Process June 2021. Collection method: clinical testing. Allele origin: germline. Affected: yes.
Comment: Frameshift variant predicted to result in protein truncation or nonsense mediated decay in a gene for which loss of function is a known mechanism of disease; Not observed at significant frequency in large population cohorts (gnomAD); This variant is associated with the following publications: (PMID: 33921653)

NM_001083961.2(WDR62):c.1777_1778del (p.Asp593fs)

Gene: WDR62 (WD repeat domain 62; plus strand). Cytogenetic location: 19q13.12.
Variant type: Microsatellite.
Coding change: c.1777_1778del on transcript NM_001083961.2 (MANE Select); coding-DNA positions 1777 to 1778, 2 bases deleted (GA; older notation c.1777_1778delGA).
Protein change: p.Asp593fs; shifts the reading frame from aspartic acid 593.
Molecular consequence: frameshift variant.
Genome position (GRCh38, 1-based): chr19:36,089,046-36,089,047, GA deleted; deleting any 2 consecutive bases within chr19:36,089,043-36,089,047 gives the same sequence; the c. name uses the placement nearest the transcript's 3' end. VCF-style (leftmost placement, unchanged base first): chr19-36089042-CAG-C. GRCh37 (hg19) VCF-style: chr19-36579944-CAG-C.
Other names: c.1762_1763del, p.Asp588fs (NM_001411145.1); c.1777_1778del, p.Asp593fs (NM_001411146.1, NM_173636.5); c.1426_1427del, p.Asp476fs (NM_001411147.1); short protein forms D476fs, D588fs, D593fs.
Identifiers: ClinVar variation 2662408 (VCV002662408.1), dbSNP rs2513630063, ClinGen allele CA2695198170.